The following is an entry in ClinVar:

ClinVar aggregate classification (germline): Uncertain significance. Review status: criteria provided, multiple submitters, no conflicts (2 of 4 stars). 2 submissions from 2 submitters: Uncertain significance (2). Last evaluated 2025-02-07.

Conditions:
Inborn genetic diseases. Identifiers: MedGen C0950123, MeSH D030342.

Allele frequency attached by ClinVar (database versions not stated): gnomAD exomes 0.00001; TOPMed 0.00001; gnomAD 0.00002.

Submissions (2):

Ambry Genetics
Classification: Uncertain significance for Inborn genetic diseases. Last evaluated: 2025-02-07. Review status: criteria provided, single submitter. Criteria: Ambry Variant Classification Scheme 2023. Collection method: clinical testing. Allele origin: germline.

Labcorp Genetics (formerly Invitae), Labcorp
Classification: Uncertain significance. Last evaluated: 2024-10-27. Review status: criteria provided, single submitter. Criteria: Invitae Variant Classification Sherloc (09022015). Collection method: clinical testing. Allele origin: germline.
Comment: This sequence change replaces arginine, which is basic and polar, with threonine, which is neutral and polar, at codon 692 of the ITGB3 protein (p.Arg692Thr). This variant is present in population databases (no rsID available, gnomAD 0.0009%). This variant has not been reported in the literature in individuals affected with ITGB3-related conditions. ClinVar contains an entry for this variant (Variation ID: 2180578). Invitae Evidence Modeling of protein sequence and biophysical properties (such as structural, functional, and spatial information, amino acid conservation, physicochemical variation, residue mobility, and thermodynamic stability) indicates that this missense variant is not expected to disrupt ITGB3 protein function with a negative predictive value of 80%. In summary, the available evidence is currently insufficient to determine the role of this variant in disease. Therefore, it has been classified as a Variant of Uncertain Significance.

NM_000212.3(ITGB3):c.2075G>C (p.Arg692Thr)

Gene: ITGB3 (integrin subunit beta 3; plus strand). Cytogenetic location: 17q21.32.
Variant type: single nucleotide variant.
Coding change: c.2075G>C on transcript NM_000212.3 (MANE Select); coding-DNA position 2075, G replaced by C.
Protein change: p.Arg692Thr; replaces arginine 692 with threonine.
Molecular consequence: missense variant.
Genome position (GRCh38, 1-based): chr17:47,302,781, G>C. VCF-style: chr17-47302781-G-C. GRCh37 (hg19) VCF-style: chr17-45380147-G-C.
Other names: short protein forms R692T.
Identifiers: ClinVar variation 2180578 (VCV002180578.4), dbSNP rs1293375452, ClinGen allele CA400033205.